The following is an entry in ClinVar:

NM_001853.4(COL9A3):c.26C>T (p.Pro9Leu)

Gene: COL9A3 (collagen type IX alpha 3 chain; plus strand). Cytogenetic location: 20q13.33.
Variant type: single nucleotide variant.
Coding change: c.26C>T on transcript NM_001853.4 (MANE Select); coding-DNA position 26, C replaced by T.
Protein change: p.Pro9Leu; replaces proline 9 with leucine.
Molecular consequence: missense variant.
Genome position (GRCh38, 1-based): chr20:62,817,090, C>T. VCF-style: chr20-62817090-C-T. GRCh37 (hg19) VCF-style: chr20-61448442-C-T.
Other names: short protein forms P9L.
Identifiers: ClinVar variation 1224425 (VCV001224425.8), dbSNP rs779116701, ClinGen allele CA9948984.
Genomic context (GRCh38, chr20:62,817,090, plus strand): 5'-CCGCCCCGACGCCGCAGCTCAGACTCCGCTCAGCCATGGCCGGGCCGCGCGCGTGCGCCC[C>T]GCTCCTGCTCCTGCTCCTGCTCGGGGAGCTTCTGGCGGCCGCCGGGGCGCAGGTGAGCGC-3'
Protein context (NP_001844.3, residues 1-19): MAGPRACA[Pro9Leu]LLLLLLLGEL

ClinVar aggregate classification (germline): Uncertain significance. Review status: criteria provided, multiple submitters, no conflicts (2 of 4 stars). 2 submissions from 2 submitters: Uncertain significance (2). Last evaluated 2025-01-15.

gnomAD v4.1: 18 of 1,394,778 alleles (0.0013%); highest among the groups gnomAD compares: South Asian, 0.0043%; no homozygotes.

Submissions (2):

Labcorp Genetics (formerly Invitae), Labcorp
Classification: Uncertain significance. Last evaluated: 2025-01-15. Review status: criteria provided, single submitter. Criteria: Invitae Variant Classification Sherloc (09022015). Collection method: clinical testing. Allele origin: germline.
Comment: This sequence change replaces proline, which is neutral and non-polar, with leucine, which is neutral and non-polar, at codon 9 of the COL9A3 protein (p.Pro9Leu). This variant is not present in population databases (gnomAD no frequency). This variant has not been reported in the literature in individuals affected with COL9A3-related conditions. ClinVar contains an entry for this variant (Variation ID: 1224425). Invitae Evidence Modeling of protein sequence and biophysical properties (such as structural, functional, and spatial information, amino acid conservation, physicochemical variation, residue mobility, and thermodynamic stability) indicates that this missense variant is not expected to disrupt COL9A3 protein function with a negative predictive value of 95%. In summary, the available evidence is currently insufficient to determine the role of this variant in disease. Therefore, it has been classified as a Variant of Uncertain Significance.

Blueprint Genetics
Classification: Uncertain significance. Last evaluated: 2024-02-15. Review status: criteria provided, single submitter. Criteria: ACMG Guidelines, 2015. Collection method: clinical testing. Allele origin: germline.